The following is an entry in ClinVar:

ClinVar aggregate classification (germline): Conflicting classifications of pathogenicity. Review status: criteria provided, conflicting classifications (1 of 4 stars). 3 submissions from 3 submitters: Uncertain significance (2); Benign (1). Last evaluated 2025-11-22.

Conditions:
Hereditary cancer-predisposing syndrome. Also called: Hereditary neoplastic syndrome; Neoplastic Syndromes, Hereditary; Tumor predisposition; Hereditary Cancer Syndrome. Identifiers: Orphanet 140162, MedGen C0027672, MeSH D009386, MONDO:0015356.
Fanconi anemia complementation group O. Also called: RAD51C-Related Fanconi Anemia. Identifiers: Orphanet 84, MedGen C3150653, MONDO:0013248, OMIM 613390.

Submissions (3):

Labcorp Genetics (formerly Invitae), Labcorp
Classification: Uncertain significance for Fanconi anemia complementation group O. Last evaluated: 2025-11-22. Review status: criteria provided, single submitter. Criteria: Invitae Variant Classification Sherloc (09022015). Collection method: clinical testing. Allele origin: germline.
Comment: This sequence change replaces glutamine, which is neutral and polar, with arginine, which is basic and polar, at codon 321 of the RAD51C protein (p.Gln321Arg). This variant is not present in population databases (gnomAD no frequency). This variant has not been reported in the literature in individuals affected with RAD51C-related conditions. ClinVar contains an entry for this variant (Variation ID: 480493). Invitae Evidence Modeling of protein sequence and biophysical properties (such as structural, functional, and spatial information, amino acid conservation, physicochemical variation, residue mobility, and thermodynamic stability) indicates that this missense variant is not expected to disrupt RAD51C protein function with a negative predictive value of 80%. In summary, the available evidence is currently insufficient to determine the role of this variant in disease. Therefore, it has been classified as a Variant of Uncertain Significance.

Ambry Genetics
Classification: Benign for Hereditary cancer-predisposing syndrome. Last evaluated: 2025-09-25. Review status: criteria provided, single submitter. Criteria: Ambry Variant Classification Scheme 2023. Collection method: clinical testing. Allele origin: germline.

Color Diagnostics, LLC DBA Color Health
Classification: Uncertain significance for Hereditary cancer-predisposing syndrome. Last evaluated: 2023-12-05. Review status: criteria provided, single submitter. Criteria: ACMG Guidelines, 2015. Collection method: clinical testing. Allele origin: germline.
Comment: This missense variant replaces glutamine with arginine at codon 321 of the RAD51C protein. Computational prediction suggests that this variant may not impact protein structure and function (internally defined REVEL score threshold <= 0.5, PMID: 27666373). To our knowledge, functional studies have not been reported for this variant. This variant has not been reported in individuals affected with RAD51C-related disorders in the literature. This variant has not been identified in the general population by the Genome Aggregation Database (gnomAD). The available evidence is insufficient to determine the role of this variant in disease conclusively. Therefore, this variant is classified as a Variant of Uncertain Significance.

NM_058216.3(RAD51C):c.962A>G (p.Gln321Arg)

Gene: RAD51C (RAD51 paralog C; plus strand). Cytogenetic location: 17q22.
Variant type: single nucleotide variant.
Coding change: c.962A>G on transcript NM_058216.3 (MANE Select); coding-DNA position 962, A replaced by G.
Protein change: p.Gln321Arg; replaces glutamine 321 with arginine.
Molecular consequence: missense variant. On other transcripts: non-coding transcript variant (1).
Genome position (GRCh38, 1-based): chr17:58,724,097, A>G. VCF-style: chr17-58724097-A-G. GRCh37 (hg19) VCF-style: chr17-56801458-A-G.
Other names: short protein forms Q321R.
Identifiers: ClinVar variation 480493 (VCV000480493.19), dbSNP rs1555603052, ClinGen allele CA400361603.